The following is an entry in ClinVar:

ClinVar aggregate classification (germline): Likely benign. Review status: criteria provided, multiple submitters, no conflicts (2 of 4 stars). 4 submissions from 4 submitters: Likely benign (3). 1 of the submissions does not count toward it. Last evaluated 2025-11-16.

Conditions:
PLEC-related disorder. Also called: PLEC-related disorders; PLEC-related condition.
Epidermolysis bullosa simplex, Ogna type (EBS5A). Also called: Pidermolysis bullosa simplex 5A, Ogna type; EPIDERMOLYSIS BULLOSA SIMPLEX 5A, OGNA TYPE. Identifiers: Orphanet 79401, MedGen C0432317, MONDO:0007555, OMIM 131950.
Epidermolysis bullosa simplex 5C, with pyloric atresia (EBS5C). Also called: PLEC-Related Epidermolysis Bullosa with Pyloric Atresia; Epidermolysis bullosa simplex with pyloric atresia; PLEC1-Related Epidermolysis Bullosa with Pyloric Atresia. Identifiers: Orphanet 158684, MedGen C2677349, MONDO:0012807, OMIM 612138.
Epidermolysis bullosa simplex 5B, with muscular dystrophy (EBS5B). Also called: EPIDERMOLYSIS BULLOSA SIMPLEX AND LIMB-GIRDLE MUSCULAR DYSTROPHY; Epidermolysis bullosa simplex with muscular dystrophy. Identifiers: Orphanet 257, MedGen C2931072, MONDO:0009181, OMIM 226670.
Epidermolysis bullosa simplex with nail dystrophy (EBS5D). Identifiers: MedGen C4225309, MONDO:0014661, OMIM 616487.
Autosomal recessive limb-girdle muscular dystrophy type 2Q (LGMDR17). Also called: MUSCULAR DYSTROPHY, LIMB-GIRDLE, AUTOSOMAL RECESSIVE 17. Identifiers: Orphanet 254361, MedGen C3150989, MONDO:0013390, OMIM 613723.

Allele frequency attached by ClinVar (database versions not stated): gnomAD exomes 0.00009 and 0.00005; TOPMed 0.00009; gnomAD 0.00011 and 0.00013; ExAC 0.00012; ESP Exome Variant Server 0.00008.
gnomAD v4.1: 94 of 1,607,306 alleles (0.0058%); highest among the groups gnomAD compares: Middle Eastern, 0.016%; no homozygotes.

Submissions (4):

Labcorp Genetics (formerly Invitae), Labcorp
Classification: Likely benign for Autosomal recessive limb-girdle muscular dystrophy type 2Q; Epidermolysis bullosa simplex, Ogna type; Epidermolysis bullosa simplex with nail dystrophy; Epidermolysis bullosa simplex 5C, with pyloric atresia; Epidermolysis bullosa simplex 5B, with muscular dystrophy. Last evaluated: 2025-11-16. Review status: criteria provided, single submitter. Criteria: Invitae Variant Classification Sherloc (09022015). Collection method: clinical testing. Allele origin: germline.

Blueprint Genetics
Classification: Likely benign. Last evaluated: 2024-10-16. Review status: criteria provided, single submitter. Criteria: ACMG Guidelines, 2015. Collection method: clinical testing. Allele origin: germline.

CeGaT Center for Human Genetics Tuebingen
Classification: Likely benign. Last evaluated: 2022-07-01. Review status: criteria provided, single submitter. Criteria: CeGaT Center For Human Genetics Tuebingen Variant Classification Criteria Version 2. Collection method: clinical testing. Allele origin: germline. Affected: yes. Observed: 2 variant alleles.
Comment: PLEC: BP4, BP7

PreventionGenetics, part of Exact Sciences
Classification: Likely benign for PLEC-related condition. Last evaluated: 2019-08-12. Review status: no assertion criteria provided. Collection method: clinical testing. Allele origin: germline. Not counted in ClinVar's aggregate classification.
Comment: This variant is classified as likely benign based on ACMG/AMP sequence variant interpretation guidelines (Richards et al. 2015 PMID: 25741868, with internal and published modifications).

NM_201384.3(PLEC):c.11301G>A (p.Ala3767=)

Gene: PLEC (plectin; minus strand). Cytogenetic location: 8q24.3.
Variant type: single nucleotide variant.
Coding change: c.11301G>A on transcript NM_201384.3 (MANE Select); coding-DNA position 11301, G replaced by A.
Protein change: p.Ala3767=; no amino-acid change (alanine 3767 retained).
Molecular consequence: synonymous variant.
Genome position (GRCh38, 1-based): chr8:143,918,520, C>T on the plus strand (G>A on the coding strand, the complement: PLEC is on the minus strand). VCF-style: chr8-143918520-C-T. GRCh37 (hg19) VCF-style: chr8-144992688-C-T.
Other names: c.11382G>A, p.Ala3794= (NM_000445.5); c.11259G>A, p.Ala3753= (NM_201378.4); c.11235G>A, p.Ala3745= (NM_201379.3); c.11712G>A, p.Ala3904= (NM_201380.4); c.11205G>A, p.Ala3735= (NM_201381.3); c.11301G>A, p.Ala3767= (NM_201382.4); c.11313G>A, p.Ala3771= (NM_201383.3).
Identifiers: ClinVar variation 705087 (VCV000705087.37), dbSNP rs374839579, ClinGen allele CA4924386.